The following is an entry in ClinVar:

NM_000535.7(PMS2):c.2212G>T (p.Val738Phe)

Gene: PMS2 (PMS1 homolog 2, mismatch repair system component; minus strand). Cytogenetic location: 7p22.1.
Variant type: single nucleotide variant.
Coding change: c.2212G>T on transcript NM_000535.7 (MANE Select); coding-DNA position 2212, G replaced by T.
Protein change: p.Val738Phe; replaces valine 738 with phenylalanine.
Molecular consequence: missense variant. On other transcripts: non-coding transcript variant (1).
Genome position (GRCh38, 1-based): chr7:5,978,659, C>A on the plus strand (G>T on the coding strand, the complement: PMS2 is on the minus strand). VCF-style: chr7-5978659-C-A. GRCh37 (hg19) VCF-style: chr7-6018290-C-A.
Other names: c.1807G>T, p.Val603Phe (NM_001322003.2, NM_001322004.2, NM_001322005.2 and 1 more transcripts); c.2056G>T, p.Val686Phe (NM_001322006.2); c.1894G>T, p.Val632Phe (NM_001322007.2, NM_001322008.2); c.1651G>T, p.Val551Phe (NM_001322010.2); c.1279G>T, p.Val427Phe (NM_001322011.2, NM_001322012.2); c.1639G>T, p.Val547Phe (NM_001322013.2); c.2212G>T, p.Val738Phe (NM_001322014.2); c.1903G>T, p.Val635Phe (NM_001322015.2); short protein forms V738F, V547F, V603F, V632F, V686F, V551F, V427F, V635F.
Identifiers: ClinVar variation 548763 (VCV000548763.15), dbSNP rs758225108, ClinGen allele CA047086.
Genomic context (GRCh38, chr7:5,978,659, plus strand): 5'-TTTCATCGATAACAAAATCAAAGCCATTCTTTCTAAATATTTCCAGATTTTCTATCAGAA[C>A]AGCTTCATTAACAGCAGTTAAGTTGAGAGTCTGAGGTCTGAAAAACACAAAAATGATTCA-3'
Protein context (NP_000526.2, residues 728-748): TLNLTAVNEA[Val738Phe]LIENLEIFRK

ClinVar aggregate classification (germline): Conflicting classifications of pathogenicity. Review status: criteria provided, conflicting classifications (1 of 4 stars). 10 submissions from 10 submitters: Uncertain significance (6); Likely benign (3). 1 of the submissions does not count toward it. Last evaluated 2025-11-25.

Conditions:
Hereditary cancer-predisposing syndrome. Also called: Hereditary neoplastic syndrome; Tumor predisposition; Neoplastic Syndromes, Hereditary; Hereditary Cancer Syndrome. Identifiers: Orphanet 140162, MedGen C0027672, MeSH D009386, MONDO:0015356.
Lynch syndrome 4 (LYNCH4). Also called: Colorectal cancer, hereditary nonpolyposis, type 4; Hereditary non-polyposis colorectal cancer, type 4. Identifiers: Orphanet 144, MedGen C1838333, MONDO:0013699, OMIM 614337. Disease mechanism: loss of function.
Mismatch repair cancer syndrome 4. Identifiers: MedGen C5436817, MONDO:0030843, OMIM 619101.
Hereditary nonpolyposis colorectal neoplasms. Identifiers: MedGen C0009405, MeSH D003123.

Allele frequency attached by ClinVar (database versions not stated): TOPMed 0.00001; 1000 Genomes Project 30x 0.00062.

Submissions (10):

Color Diagnostics, LLC DBA Color Health
Classification: Likely benign for Hereditary cancer-predisposing syndrome. Last evaluated: 2025-11-25. Review status: criteria provided, single submitter. Criteria: ACMG Guidelines, 2015. Collection method: clinical testing. Allele origin: germline.

Women's Health and Genetics/Laboratory Corporation of America, LabCorp
Classification: Uncertain significance. Last evaluated: 2025-04-01. Review status: criteria provided, single submitter. Criteria: LabCorp Variant Classification Summary - May 2015. Collection method: clinical testing. Allele origin: germline.
Comment: Variant summary: PMS2 c.2212G>T (p.Val738Phe) results in a non-conservative amino acid change in the encoded protein sequence. Three of five in-silico tools predict a benign effect of the variant on protein function. The variant allele was found at a frequency of 0.00033 in 248174 control chromosomes in the gnomAD database, including 3 homozygotes. The observed variant frequency is approximately 4.71 fold of the estimated maximal expected allele frequency for a pathogenic variant in PMS2 causing Hereditary Nonpolyposis Colorectal Cancer phenotype (7.1e-05). However, this observation needs to be cautiously considered since sequence alignment analysis suggests that the variant lies within a region of the gene that has high homology with the PMS2 pseudogene. To our knowledge, no occurrence of c.2212G>T in individuals affected with Hereditary Nonpolyposis Colorectal Cancer and no experimental evidence demonstrating its impact on protein function have been reported. The following publications have been ascertained in the context of this evaluation (PMID: 35449176, 31346352, 27050151). ClinVar contains an entry for this variant (Variation ID: 548763). Based on the evidence outlined above, the variant was classified as uncertain significance.

Ambry Genetics
Classification: Likely benign for Hereditary cancer-predisposing syndrome. Last evaluated: 2024-11-26. Review status: criteria provided, single submitter. Criteria: Ambry Variant Classification Scheme 2023. Collection method: clinical testing. Allele origin: germline.

Blueprint Genetics
Classification: Likely benign. Last evaluated: 2024-05-28. Review status: criteria provided, single submitter. Criteria: ACMG Guidelines, 2015. Collection method: clinical testing. Allele origin: germline.

Myriad Genetics, Inc.
Classification: Uncertain significance for Lynch syndrome 4. Last evaluated: 2023-04-03. Review status: criteria provided, single submitter. Criteria: Myriad Autosomal Dominant, Autosomal Recessive and X-Linked Classification Criteria (2023). Collection method: clinical testing. Allele origin: unknown.
Comment: This variant is classified as a variant of uncertain significance as there is insufficient evidence to determine its impact on protein function and/or cancer risk.

Labcorp Genetics (formerly Invitae), Labcorp
Classification: Uncertain significance for Hereditary nonpolyposis colorectal neoplasms. Last evaluated: 2021-12-31. Review status: criteria provided, single submitter. Criteria: Invitae Variant Classification Sherloc (09022015). Collection method: clinical testing. Allele origin: germline.
Comment: This sequence change replaces valine, which is neutral and non-polar, with phenylalanine, which is neutral and non-polar, at codon 738 of the PMS2 protein (p.Val738Phe). The frequency data for this variant in the population databases (gnomAD) is considered unreliable due to the presence of homologous sequence, such as pseudogenes or paralogs, in the genome. This variant has not been reported in the literature in individuals affected with PMS2-related conditions. ClinVar contains an entry for this variant (Variation ID: 548763). Advanced modeling of protein sequence and biophysical properties (such as structural, functional, and spatial information, amino acid conservation, physicochemical variation, residue mobility, and thermodynamic stability) performed at Invitae indicates that this missense variant is not expected to disrupt PMS2 protein function. In summary, the available evidence is currently insufficient to determine the role of this variant in disease. Therefore, it has been classified as a Variant of Uncertain Significance.

Sema4
Classification: Uncertain significance for Hereditary cancer-predisposing syndrome. Last evaluated: 2021-07-26. Review status: criteria provided, single submitter. Criteria: Sema4 Curation Guidelines. Collection method: curation. Allele origin: germline.
Comment: The PMS2 c.2212G>T (p.V738F) variant has been reported in at least one individual with breast cancer and a healthy control individual in a large case-control study (PMID: 33471991). It was observed in 81/30352 chromosomes, with 3 homozygotes, of the South Asian subpopulation in the large and broad cohorts of the Genome Aggregation Database (PMID: 32461654). However, the variant is located in a region where pseudogene interference is possible, therefore these occurrences are uncertain. The variant has been reported in ClinVar (Variation ID 548763). Functional studies have not been performed and in silico tool predictions of the variants effect on protein function are inconclusive. The evidence is insufficient to meet ACMG/AMP criteria for classifying the variant as benign or pathogenic. Thus, the clinical significance of this variant is currently uncertain.

Department of Pathology and Laboratory Medicine, Sinai Health System
Classification: Uncertain significance for Lynch syndrome 4; Mismatch repair cancer syndrome 4. Last evaluated: 2019-11-01. Review status: criteria provided, single submitter. Criteria: ACMG Guidelines, 2015. Collection method: clinical testing. Allele origin: germline. Affected: yes.

Neuberg Centre For Genomic Medicine, NCGM
Classification: Uncertain significance for Lynch syndrome 4. Review status: criteria provided, single submitter. Criteria: ACMG Guidelines, 2015. Collection method: clinical testing. Allele origin: germline. Inheritance: Autosomal dominant inheritance. Affected: yes.
Comment: The missense variant in c.2212G>T (p.Val738Phe) in PMS2 gene has not been reported previously as a pathogenic variant nor as a benign variant, to our knowledge. The p.Val738Phe variant is reported with the allele frequency of 0.03344% in gnomAD and is novel (not in any individuals) in 1000 Genomes. This variant has been reported to the ClinVar database as conflicting - uncertain significance/ likely benign. The amino acid Val at position 738 is changed to a Phe changing protein sequence and it might alter its composition and physico-chemical properties. The variant is predicted to be damaging by SIFT and the residue is variable across species. For these reasons, this variant has been classified as Uncertain Significance.

Counsyl
Classification: Uncertain significance for Lynch syndrome 4. Last evaluated: 2017-07-07. Review status: no assertion criteria provided. Collection method: clinical testing. Allele origin: unknown. Not counted in ClinVar's aggregate classification.

Literature cited by the submitters: PubMed 33471991 (cited by Sema4); PubMed 31346352 (cited by Department of Pathology and Laboratory Medicine, Sinai Health System); PubMed 22949387 (cited by Counsyl).